The following is an entry in ClinVar:

ClinVar aggregate classification (germline): Uncertain significance (1 of 4 stars; one submission).

Conditions:
Familial intrahepatic cholestasis. Identifiers: Orphanet 284385, MedGen CN296401, MONDO:0017290.

gnomAD v4.1: 6 of 1,606,690 alleles (0.00037%); highest among the groups gnomAD compares: Non-Finnish European, 0.00051%; no homozygotes.

Submission:

Genomenon, Inc
Classification: Uncertain significance for Familial intrahepatic cholestasis. Last evaluated: 2026-04-14. Review status: criteria provided, single submitter. Criteria: Genomenon Sequence Variant Interpretation Standards - Updated. Collection method: curation. Allele origin: germline. Affected: yes.
Comment: ABCB11 p.Ile367Thr (c.1100T>C) is a missense variant that changes the amino acid at residue 367 from Isoleucine to Threonine. This variant has been observed in at least one individual with transient neonatal cholestasis (PMID:32808743). It is absent or not present at a significant frequency in gnomAD. In conclusion, we classify ABCB11 p.Ile367Thr (c.1100T>C) as a variant of uncertain significance.

Literature cited by the submitters: PubMed 32808743.

NM_003742.4(ABCB11):c.1100T>C (p.Ile367Thr)

Gene: ABCB11 (ATP binding cassette subfamily B member 11; minus strand). Cytogenetic location: 2q31.1.
Variant type: single nucleotide variant.
Coding change: c.1100T>C on transcript NM_003742.4 (MANE Select); coding-DNA position 1100, T replaced by C.
Protein change: p.Ile367Thr; replaces isoleucine 367 with threonine.
Molecular consequence: missense variant.
Genome position (GRCh38, 1-based): chr2:168,979,963, A>G on the plus strand (T>C on the coding strand, the complement: ABCB11 is on the minus strand). VCF-style: chr2-168979963-A-G. GRCh37 (hg19) VCF-style: chr2-169836473-A-G.
Other names: short protein forms I367T.
Identifiers: ClinVar variation 4846055 (VCV004846055.1).